The following is an entry in ClinVar:

NM_004064.5(CDKN1B):c.32C>T (p.Pro11Leu)

Gene: CDKN1B (cyclin dependent kinase inhibitor 1B; plus strand). Cytogenetic location: 12p13.1.
Variant type: single nucleotide variant.
Coding change: c.32C>T on transcript NM_004064.5 (MANE Select); coding-DNA position 32, C replaced by T.
Protein change: p.Pro11Leu; replaces proline 11 with leucine.
Molecular consequence: missense variant.
Genome position (GRCh38, 1-based): chr12:12,717,871, C>T. VCF-style: chr12-12717871-C-T. GRCh37 (hg19) VCF-style: chr12-12870805-C-T.
Other names: short protein forms P11L.
Identifiers: ClinVar variation 1007170 (VCV001007170.10), dbSNP rs748543504, ClinGen allele CA383968045.

ClinVar aggregate classification (germline): Uncertain significance. Review status: criteria provided, multiple submitters, no conflicts (2 of 4 stars). 2 submissions from 2 submitters: Uncertain significance (2). Last evaluated 2025-10-19.

Conditions:
Multiple endocrine neoplasia type 4. Also called: MULTIPLE ENDOCRINE NEOPLASIA, TYPE IV. Identifiers: Orphanet 276152, MedGen C1970712, MONDO:0012552, OMIM 610755.
Hereditary cancer-predisposing syndrome. Also called: Hereditary neoplastic syndrome; Neoplastic Syndromes, Hereditary; Tumor predisposition; Hereditary Cancer Syndrome. Identifiers: Orphanet 140162, MedGen C0027672, MeSH D009386, MONDO:0015356.

Submissions (2):

Labcorp Genetics (formerly Invitae), Labcorp
Classification: Uncertain significance for Multiple endocrine neoplasia type 4. Last evaluated: 2025-10-19. Review status: criteria provided, single submitter. Criteria: Invitae Variant Classification Sherloc (09022015). Collection method: clinical testing. Allele origin: germline.
Comment: This sequence change replaces proline, which is neutral and non-polar, with leucine, which is neutral and non-polar, at codon 11 of the CDKN1B protein (p.Pro11Leu). This variant is not present in population databases (gnomAD no frequency). This variant has not been reported in the literature in individuals affected with CDKN1B-related conditions. ClinVar contains an entry for this variant (Variation ID: 1007170). An algorithm developed to predict the effect of missense changes on protein structure and function (PolyPhen-2) suggests that this variant is likely to be disruptive. In summary, the available evidence is currently insufficient to determine the role of this variant in disease. Therefore, it has been classified as a Variant of Uncertain Significance.

Ambry Genetics
Classification: Uncertain significance for Hereditary cancer-predisposing syndrome. Last evaluated: 2024-05-04. Review status: criteria provided, single submitter. Criteria: Ambry Variant Classification Scheme 2023. Collection method: clinical testing. Allele origin: germline.
Comment: The p.P11L variant (also known as c.32C>T), located in coding exon 1 of the CDKN1B gene, results from a C to T substitution at nucleotide position 32. The proline at codon 11 is replaced by leucine, an amino acid with similar properties. This amino acid position is conserved. In addition, this alteration is predicted to be deleterious by in silico analysis. Since supporting evidence is limited at this time, the clinical significance of this alteration remains unclear.